The following is an entry in ClinVar:

NM_000550.3(TYRP1):c.194G>A (p.Cys65Tyr)

Gene: TYRP1 (tyrosinase related protein 1; plus strand). Cytogenetic location: 9p23.
Variant type: single nucleotide variant.
Coding change: c.194G>A on transcript NM_000550.3 (MANE Select); coding-DNA position 194, G replaced by A.
Protein change: p.Cys65Tyr; replaces cysteine 65 with tyrosine.
Molecular consequence: missense variant.
Genome position (GRCh38, 1-based): chr9:12,694,190, G>A. VCF-style: chr9-12694190-G-A. GRCh37 (hg19) VCF-style: chr9-12694190-G-A.
Other names: short protein forms C65Y.
Identifiers: ClinVar variation 1210858 (VCV001210858.3), dbSNP rs777124807, ClinGen allele CA4985140.

ClinVar aggregate classification (germline): Uncertain significance (1 of 4 stars; one submission).

Allele frequency attached by ClinVar (database versions not stated): gnomAD exomes 0.00002 and 0.00003; TOPMed 0.00002; ExAC 0.00004.
gnomAD v4.1: 30 of 1,613,950 alleles (0.0019%); highest among the groups gnomAD compares: African/African-American, 0.0027%; no homozygotes.

Submission:

GeneDx
Classification: Uncertain significance. Last evaluated: 2019-06-13. Review status: criteria provided, single submitter. Criteria: GeneDx Variant Classification Process June 2021. Collection method: clinical testing. Allele origin: germline. Affected: yes.
Comment: In silico analysis, which includes protein predictors and evolutionary conservation, supports a deleterious effect; Has not been previously published as pathogenic or benign to our knowledge